The following is an entry in ClinVar:

ClinVar aggregate classification (germline): Pathogenic. Review status: reviewed by expert panel (3 of 4 stars). 13 submissions from 13 submitters: Pathogenic (1). 12 of the submissions do not count toward it. Last evaluated 2024-12-03.

Conditions:
Glycogen storage disease, type II (IOPD). Also called: Glucosidase acid-1,4-alpha deficiency; CARDIOMEGALIA GLYCOGENICA DIFFUSA; Glycogen storage disease type 2; Acid maltase deficiency disease; Aglucosidase alfa; Deficiency of alpha-glucosidase. Identifiers: Orphanet 365, MedGen C0017921, MONDO:0009290, OMIM 232300.

Allele frequency attached by ClinVar (database versions not stated): gnomAD exomes below 0.00001; ExAC 0.00001; gnomAD 0.00001; TOPMed 0.00002.
gnomAD v4.1: 6 of 1,613,778 alleles (0.00037%); highest among the groups gnomAD compares: Admixed American, 0.0033%; no homozygotes.

Submissions 1 to 9 of 13:

ClinGen Lysosomal Storage Disorder Variant Curation Expert Panel
Classification: Pathogenic for Glycogen storage disease, type II. Last evaluated: 2024-12-03. Review status: reviewed by expert panel. Criteria: clingen_lsd_acmg_specifications_v2-1. Collection method: curation. Allele origin: germline. Inheritance: Autosomal recessive inheritance.
Comment: The NM_000152.5:c.1561G>A variant in GAA is a missense variant predicted to cause substitution of glutamic acid by lysine at amino acid 521 (p.Glu521Lys). This substitution of a negatively charged, polar amino acid with a neutral, non-polar amino acid is predicted to functionally impact the GAA precursor protein (PMID: 1898413). This variant was first reported in homozygosity in a case report of siblings with IOPD and no detectable GAA activity in fibroblasts (PMID: 1898413), meeting criteria for PP4_moderate. This variant has been detected in at least four additional individuals with IOPD. Of those individuals, two were compound heterozygous for the variant and a pathogenic or likely pathogenic variant (PMIDs: 17723315, 37542277) and two were homozygous for the variant (PMIDs: 19862843,33301762). This variant has also been reported in at least nine individuals with LOPD. Of those, six were compound heterozygous for the common IVS splice site pathogenic variant c.-32-13T>G (PMIDs: 22676651, 20308911, 2270448, 20033296, 25673129, 30312517,34852371 and 39045638), and one was compound heterozygous for the variant and a pathogenic or likely pathogenic variant (PMID:21605996 and 22676651) (PM3_Very Strong). The highest population minor allele frequency in gnomAD v4.1.0. is 0.00003334 (2/59992 alleles) in the Admixed American population, which is lower than the ClinGen Lysosomal Diseases VCEP’s threshold for PM2_Supporting (<0.001), meeting this criterion (PM2_Supporting). In the first report of this variant, transient expression in COS cells was performed and revealed no detectable activity, and immunocytochemistry results suggested the mutant precursor is not transported to the lysosome (PMID: 1898413). Subsequent expression studies in COS cells revealed <2% wild type GAA activity, indicating that this variant may impact protein function (PMID: 19862843). Thus, PS3_Supporting can be applied. The computational predictor REVEL gives a score of 0.932 which is above the threshold of 0.7, evidence that correlates with impact to GAA function (PP3). Another missense change at the same amino acid position (p.Glu521Gln) has been reported in IOPD (PMID: 22658377, 19588081), but this variant has not been reviewed by the ClinGen Lysosomal Diseases Variant Curation Expert panel and thus PM5 will not be applied. There is a ClinVar entry for this variant (Variation ID: 4022, 2-star review status) with 8 submitters classifying the variant as pathogenic (7 submitters) or likely pathogenic (1 submitters). In summary, this variant meets the criteria to be classified as pathogenic for Pompe disease based on the ACMG/AMP criteria applied, as specified by the ClinGen Lysosomal Diseases Variant Curation Expert panel (Specifications Version 2.0): PM3_Very Strong, PP4_moderate, PM2_supporting, PP3, PS3_supporting. (Classification approved by the ClinGen Lysosomal Diseases Variant Curation Expert Panel on December 3, 2024)

Genomenon, Inc
Classification: Pathogenic for Glycogen storage disease, type II. Last evaluated: 2026-07-01. Review status: criteria provided, single submitter. Criteria: Genomenon Sequence Variant Interpretation Standards - Updated. Collection method: curation. Allele origin: germline. Affected: yes. Not counted in ClinVar's aggregate classification.
Comment: GAA p.Glu521Lys (c.1561G>A) is a missense variant that changes the amino acid at codon 521 from Glutamic acid to Lysine. This variant has been observed in at least one proband with a GAA-related disorder in the compound heterozygous and/or homozygous state (PMID:37542277;34852371;34734785;33301762;1898413;17723315;20033296;25526786). At least one functional study has demonstrated a substantial alteration in protein function relative to the wild-type (PMID:1898413;19862843). It is absent or not present at a significant frequency in gnomAD. In silico models predict that this variant is possibly or probably damaging. In conclusion, we classify GAA p.Glu521Lys (c.1561G>A) as a pathogenic variant.

Natera, Inc.
Classification: Pathogenic for Glycogen storage disease type II. Last evaluated: 2025-08-01. Review status: criteria provided, single submitter. Criteria: Natera Variant Classification Schema (03/2026). Collection method: clinical testing. Allele origin: germline. Not counted in ClinVar's aggregate classification.
Comment: The c.1561G>A variant in GAA is a missense variant predicted to cause substitution of glutamic acid to lysine at amino acid 521. This variant is rare in the general population with a frequency below the threshold expected for the associated phenotype(s). This variant has been observed in one or more individuals affected with the associated recessive disease, as either homozygous or compound heterozygous with a second variant (PMID: 17723315, 22676651). Functional studies show that this variant may disrupt protein function (PMID: 19862843). Given the available evidence, this variant is classified as Pathogenic.

CeGaT Center for Human Genetics Tuebingen
Classification: Pathogenic. Last evaluated: 2024-11-01. Review status: criteria provided, single submitter. Criteria: CeGaT Center For Human Genetics Tuebingen Variant Classification Criteria Version 2. Collection method: clinical testing. Allele origin: germline. Affected: yes. Observed: 1 variant allele. Not counted in ClinVar's aggregate classification.
Comment: GAA: PM3:Strong, PM1, PM2, PM5, PP3

Revvity Omics, Revvity
Classification: Pathogenic. Last evaluated: 2024-07-08. Review status: criteria provided, single submitter. Criteria: ACMG Guidelines, 2015. Collection method: clinical testing. Allele origin: germline. Not counted in ClinVar's aggregate classification.

Labcorp Genetics (formerly Invitae), Labcorp
Classification: Pathogenic for Glycogen storage disease, type II. Last evaluated: 2024-05-31. Review status: criteria provided, single submitter. Criteria: Invitae Variant Classification Sherloc (09022015). Collection method: clinical testing. Allele origin: germline. Not counted in ClinVar's aggregate classification.
Comment: This sequence change replaces glutamic acid, which is acidic and polar, with lysine, which is basic and polar, at codon 521 of the GAA protein (p.Glu521Lys). This variant is present in population databases (rs121907937, gnomAD 0.003%). This missense change has been observed in individual(s) with clinical features of Pompe disease (PMID: 1898413, 17723315). It has also been observed to segregate with disease in related individuals. ClinVar contains an entry for this variant (Variation ID: 4022). Advanced modeling of protein sequence and biophysical properties (such as structural, functional, and spatial information, amino acid conservation, physicochemical variation, residue mobility, and thermodynamic stability) performed at Invitae indicates that this missense variant is expected to disrupt GAA protein function with a positive predictive value of 95%. Experimental studies have shown that this missense change affects GAA function (PMID: 1898413). For these reasons, this variant has been classified as Pathogenic.

Fulgent Genetics
Classification: Pathogenic for Glycogen storage disease, type II. Last evaluated: 2024-02-15. Review status: criteria provided, single submitter. Criteria: ACMG Guidelines, 2015. Collection method: clinical testing. Allele origin: germline. Not counted in ClinVar's aggregate classification.

Baylor Genetics
Classification: Pathogenic for Glycogen storage disease, type II. Last evaluated: 2023-08-02. Review status: criteria provided, single submitter. Criteria: ACMG Guidelines, 2015. Collection method: clinical testing. Allele origin: unknown. Not counted in ClinVar's aggregate classification.

Women's Health and Genetics/Laboratory Corporation of America, LabCorp
Classification: Pathogenic for Glycogen storage disease, type II. Last evaluated: 2022-05-23. Review status: criteria provided, single submitter. Criteria: LabCorp Variant Classification Summary - May 2015. Collection method: clinical testing. Allele origin: germline. Not counted in ClinVar's aggregate classification.
Comment: Variant summary: GAA c.1561G>A (p.Glu521Lys) results in a conservative amino acid change in the encoded protein sequence. Four of five in-silico tools predict a damaging effect of the variant on protein function. The variant allele was found at a frequency of 4e-06 in 251268 control chromosomes. c.1561G>A has been reported in the literature in multiple individuals affected with Glycogen Storage Disease, Type 2 (Pompe Disease) in the homozygous and compound heterozygous state (eg. Hermans_1991, Herzog_2012, Liu_2014, Montagnese_2016, etc). These data indicate that the variant is very likely to be associated with disease. The variant has been reported to have <10% enzyme activity in cell culture experiments (Hermans_1991, Flanagan_2009). Two clinical diagnostic laboratories have submitted clinical-significance assessments for this variant to ClinVar after 2014 without evidence for independent evaluation. All laboratories classified the variant as pathogenic. Based on the evidence outlined above, the variant was classified as pathogenic.

NM_000152.5(GAA):c.1561G>A (p.Glu521Lys)

Gene: GAA (alpha glucosidase; plus strand). Cytogenetic location: 17q25.3.
Variant type: single nucleotide variant.
Coding change: c.1561G>A on transcript NM_000152.5 (MANE Select); coding-DNA position 1561, G replaced by A.
Protein change: p.Glu521Lys; replaces glutamic acid 521 with lysine.
Molecular consequence: missense variant.
Genome position (GRCh38, 1-based): chr17:80,110,950, G>A. VCF-style: chr17-80110950-G-A. GRCh37 (hg19) VCF-style: chr17-78084749-G-A.
Other names: c.1561G>A (NM_000152.4); c.1561G>A, p.Glu521Lys (LRG_673t1, NM_001079803.3, NM_001079804.3); short protein forms E521K.
Identifiers: ClinVar variation 4022 (VCV000004022.38), dbSNP rs121907937, ClinGen allele CA116593.
Genomic context (GRCh38, chr17:80,110,950, plus strand): 5'-CACCCTCCTCACTCTGGGCAGAGTCACCTACCAGCAGCGCTTCTCTTGCAGGACATGAAC[G>A]AGCCTTCCAACTTCATCAGGGGCTCTGAGGACGGCTGCCCCAACAATGAGCTGGAGAACC-3'
Protein context (NP_000143.2, residues 511-531): PFDGMWIDMN[Glu521Lys]PSNFIRGSED